The following is an entry in ClinVar:

NM_003049.4(SLC10A1):c.*9del

Gene: SLC10A1 (solute carrier family 10 member 1; minus strand). Cytogenetic location: 14q24.1.
Variant type: Deletion.
Coding change: c.*9del on transcript NM_003049.4 (MANE Select); 9 bases downstream of the stop codon, one base deleted (C; older notation c.*9delC).
Molecular consequence: 3 prime UTR variant.
Genome position (GRCh38, 1-based): chr14:69,776,273, G deleted on the plus strand (C on the coding strand, the reverse complement: SLC10A1 is on the minus strand); the first of 4 consecutive G bases (chr14:69,776,273-69,776,276); deleting any one gives the same sequence. VCF-style (leftmost placement, unchanged base first): chr14-69776272-AG-A. GRCh37 (hg19) VCF-style: chr14-70242989-AG-A.
Identifiers: ClinVar variation 3054601 (VCV003054601.2), dbSNP rs774562376, ClinGen allele CA7245858.
Genomic context (GRCh38, chr14:69,776,272, plus strand): 5'-CTCTCTCTAGTTTACCACACTGGCTTTCAGAATTGCTTTGGGACCAGAATCCAGGCCACC[AG>A]GGGAAGGGCTAGGCTGTGCAAGGGGAGCAGTCCTCCCCTTTGTAGGTGCCATTTCCCAGA-3'

ClinVar aggregate classification (germline): Likely benign (0 of 4 stars; one submission).

Conditions:
SLC10A1-related disorder. Also called: SLC10A1-related condition.

Submission:

PreventionGenetics, part of Exact Sciences
Classification: Likely benign for SLC10A1-related condition. Last evaluated: 2021-06-15. Review status: no assertion criteria provided. Collection method: clinical testing. Allele origin: germline.
Comment: This variant is classified as likely benign based on ACMG/AMP sequence variant interpretation guidelines (Richards et al. 2015 PMID: 25741868, with internal and published modifications).